The following is an entry in ClinVar:

ClinVar aggregate classification (germline): Likely benign (1 of 4 stars; one submission).

Submissions (2):

CeGaT Center for Human Genetics Tuebingen
Classification: Likely benign. Last evaluated: 2023-11-01. Review status: criteria provided, single submitter. Criteria: CeGaT Center For Human Genetics Tuebingen Variant Classification Criteria Version 2. Collection method: clinical testing. Allele origin: germline. Affected: yes. Observed: 1 variant allele.
Comment: CLIP2: PM2:Supporting, BP4, BP7

Dr. Peter K. Rogan Lab, Western University
No classification provided (evidence only). Condition: Thyroid cancer, nonmedullary, 1. Review status: no classification provided. Collection method: in vitro. Allele origin: not applicable. Functional consequence: retained intron. Not counted in ClinVar's aggregate classification.

NM_003388.5(CLIP2):c.354C>T (p.Gly118=)

Gene: CLIP2 (CAP-Gly domain containing linker protein 2; plus strand). Cytogenetic location: 7q11.23.
Variant type: single nucleotide variant.
Coding change: c.354C>T on transcript NM_003388.5 (MANE Select); coding-DNA position 354, C replaced by T.
Protein change: p.Gly118=; no amino-acid change (glycine 118 retained).
Molecular consequence: synonymous variant.
Genome position (GRCh38, 1-based): chr7:74,338,680, C>T. VCF-style: chr7-74338680-C-T. GRCh37 (hg19) VCF-style: chr7-73753010-C-T.
Other names: NC_000007.13:g.73753010C>T; c.354C>T, p.Gly118= (NM_032421.3).
Identifiers: ClinVar variation 2673106 (VCV002673106.24), dbSNP rs782724514, ClinGen allele CA456055210.